The following is an entry in ClinVar:

ClinVar aggregate classification (germline): Uncertain significance (1 of 4 stars; one submission).

Conditions:
Dyskeratosis congenita, autosomal recessive 5 (DKCB5). Identifiers: MedGen C3554656, MONDO:0014076, OMIM 615190.
Pulmonary fibrosis and/or bone marrow failure, Telomere-related, 3. Also called: PULMONARY FIBROSIS AND/OR BONE MARROW FAILURE SYNDROME, TELOMERE-RELATED, 3. Identifiers: Orphanet 2032, MedGen C4225346, MONDO:0014613, OMIM 616373.

Submission:

Labcorp Genetics (formerly Invitae), Labcorp
Classification: Uncertain significance for Dyskeratosis congenita, autosomal recessive 5; Pulmonary fibrosis and/or bone marrow failure, Telomere-related, 3. Last evaluated: 2023-02-16. Review status: criteria provided, single submitter. Criteria: Invitae Variant Classification Sherloc (09022015). Collection method: clinical testing. Allele origin: germline.
Comment: In summary, the available evidence is currently insufficient to determine the role of this variant in disease. Therefore, it has been classified as a Variant of Uncertain Significance. An algorithm developed to predict the effect of missense changes on protein structure and function (PolyPhen-2) suggests that this variant is likely to be tolerated. ClinVar contains an entry for this variant (Variation ID: 943813). This variant has not been reported in the literature in individuals affected with RTEL1-related conditions. This variant is not present in population databases (gnomAD no frequency). This sequence change replaces lysine, which is basic and polar, with glutamic acid, which is acidic and polar, at codon 508 of the RTEL1 protein (p.Lys508Glu).

NM_001283009.2(RTEL1):c.1522A>G (p.Lys508Glu)

Genes: RTEL1 (regulator of telomere elongation helicase 1; plus strand), RTEL1-TNFRSF6B (RTEL1-TNFRSF6B readthrough (NMD candidate); plus strand). Cytogenetic location: 20q13.33.
Variant type: single nucleotide variant.
Coding change: c.1522A>G on transcript NM_001283009.2 (MANE Select); coding-DNA position 1522, A replaced by G.
Protein change: p.Lys508Glu; replaces lysine 508 with glutamic acid.
Molecular consequence: missense variant. On other transcripts: non-coding transcript variant (1).
Genome position (GRCh38, 1-based): chr20:63,687,977, A>G. VCF-style: chr20-63687977-A-G. GRCh37 (hg19) VCF-style: chr20-62319330-A-G.
Other names: c.853A>G, p.Lys285Glu (NM_001283010.1); c.1522A>G, p.Lys508Glu (NM_016434.4); c.1594A>G, p.Lys532Glu (NM_032957.5); short protein forms K508E, K532E, K285E.
Identifiers: ClinVar variation 943813 (VCV000943813.7), dbSNP rs2090635139, ClinGen allele CA409676666.